The following is an entry in ClinVar:

ClinVar aggregate classification (germline): Uncertain significance (1 of 4 stars; one submission).

Conditions:
Hereditary cancer-predisposing syndrome. Also called: Neoplastic Syndromes, Hereditary; Hereditary Cancer Syndrome; Tumor predisposition; Hereditary neoplastic syndrome. Identifiers: Orphanet 140162, MedGen C0027672, MeSH D009386, MONDO:0015356.

Allele frequency attached by ClinVar (database versions not stated): TOPMed below 0.00001.

Submission:

Ambry Genetics
Classification: Uncertain significance for Hereditary cancer-predisposing syndrome. Last evaluated: 2025-05-13. Review status: criteria provided, single submitter. Criteria: Ambry Variant Classification Scheme 2023. Collection method: clinical testing. Allele origin: germline.
Comment: The p.L7R variant (also known as c.20T>G), located in coding exon 1 of the ALK gene, results from a T to G substitution at nucleotide position 20. The leucine at codon 7 is replaced by arginine, an amino acid with dissimilar properties. This amino acid position is not well conserved in available vertebrate species. In addition, the in silico prediction for this alteration is inconclusive. Based on the available evidence, the clinical significance of this variant remains unclear.

NM_004304.5(ALK):c.20T>G (p.Leu7Arg)

Gene: ALK (ALK receptor tyrosine kinase; minus strand). Cytogenetic location: 2p23.1.
Variant type: single nucleotide variant.
Coding change: c.20T>G on transcript NM_004304.5 (MANE Select); coding-DNA position 20, T replaced by G.
Protein change: p.Leu7Arg; replaces leucine 7 with arginine.
Molecular consequence: missense variant.
Genome position (GRCh38, 1-based): chr2:29,920,640, A>C on the plus strand (T>G on the coding strand, the complement: ALK is on the minus strand). VCF-style: chr2-29920640-A-C. GRCh37 (hg19) VCF-style: chr2-30143506-A-C.
Other names: short protein forms L7R.
Identifiers: ClinVar variation 2447093 (VCV002447093.3), dbSNP rs1351584977, ClinGen allele CA346590834.